The following is an entry in ClinVar:

ClinVar aggregate classification (germline): Conflicting classifications of pathogenicity. Review status: criteria provided, conflicting classifications (1 of 4 stars). 7 submissions from 3 submitters: Uncertain significance (3); Benign (1); Likely benign (3). Last evaluated 2026-08-01.

Conditions:
Dilated cardiomyopathy 1G (CMD1G). Identifiers: Orphanet 154, MedGen C1858763, MONDO:0011400, OMIM 604145.
Tibial muscular dystrophy (TMD). Also called: UDD MYOPATHY; Udd Distal Myopathy – Tibial Muscular Dystrophy; Tibial muscular dystrophy, tardive. Identifiers: Orphanet 609, MedGen C1838244, MONDO:0010870, OMIM 600334.
Autosomal recessive limb-girdle muscular dystrophy type 2J (LGMDR10). Also called: MUSCULAR DYSTROPHY, LIMB-GIRDLE, AUTOSOMAL RECESSIVE 10; Limb-girdle muscular dystrophy, type 2J. Identifiers: Orphanet 140922, MedGen C1837342, MONDO:0012127, OMIM 608807.
Myopathy, myofibrillar, 9, with early respiratory failure (MFM9). Also called: Myopathy, distal, with early respiratory failure, autosomal dominant; Hereditary myopathy with early respiratory failure; EDSTROM MYOPATHY; MYOPATHY, PROXIMAL, WITH EARLY RESPIRATORY MUSCLE INVOLVEMENT. Identifiers: Orphanet 178464, Orphanet 34521, MedGen C1863599, MONDO:0011362, OMIM 603689.
Early-onset myopathy with fatal cardiomyopathy (CMYO5). Also called: CONGENITAL MYOPATHY 5 WITH CARDIOMYOPATHY; Salih Myopathy. Identifiers: Orphanet 289377, MedGen C2673677, MONDO:0012714, OMIM 611705. Disease mechanism: loss of function.

Allele frequency attached by ClinVar (database versions not stated): gnomAD 0.00001; gnomAD exomes 0.00002 and 0.00004; TOPMed 0.00002; ExAC 0.00007.
gnomAD v4.1: 32 of 1,612,494 alleles (0.002%); highest among the groups gnomAD compares: Middle Eastern, 0.016%; no homozygotes.

Submissions (7):

CeGaT Center for Human Genetics Tuebingen
Classification: Likely benign. Last evaluated: 2026-08-01. Review status: criteria provided, single submitter. Criteria: CeGaT Center For Human Genetics Tuebingen Variant Classification Criteria Version 2. Collection method: clinical testing. Allele origin: germline. Affected: yes. Observed: 3 variant alleles.
Comment: TTN: BP4, BP7

Labcorp Genetics (formerly Invitae), Labcorp
Classification: Likely benign for Dilated cardiomyopathy 1G; Autosomal recessive limb-girdle muscular dystrophy type 2J. Last evaluated: 2025-10-11. Review status: criteria provided, single submitter. Criteria: Invitae Variant Classification Sherloc (09022015). Collection method: clinical testing. Allele origin: germline.

Illumina Laboratory Services, Illumina
Classification: Uncertain significance for Early-onset myopathy with fatal cardiomyopathy. Last evaluated: 2018-01-12. Review status: criteria provided, single submitter. Criteria: ICSL Variant Classification Criteria 13 December 2019. Collection method: clinical testing. Allele origin: germline.

Illumina Laboratory Services, Illumina
Classification: Likely benign for Myopathy, myofibrillar, 9, with early respiratory failure. Last evaluated: 2018-01-12. Review status: criteria provided, single submitter. Criteria: ICSL Variant Classification Criteria 13 December 2019. Collection method: clinical testing. Allele origin: germline.
Comment: This variant was observed in the ICSL laboratory as part of a predisposition screen in an ostensibly healthy population. It had not been previously curated by ICSL or reported in the Human Gene Mutation Database (HGMD: prior to June 1st, 2018), and was therefore a candidate for classification through an automated scoring system. Utilizing variant allele frequency, disease prevalence and penetrance estimates, and inheritance mode, an automated score was calculated to assess if this variant is too frequent to cause the disease. Based on the score and internal cut-off values, a variant classified as likely benign is not then subjected to further curation. The score for this variant resulted in a classification of likely benign for this disease.

Illumina Laboratory Services, Illumina
Classification: Uncertain significance for Dilated cardiomyopathy 1G. Last evaluated: 2018-01-12. Review status: criteria provided, single submitter. Criteria: ICSL Variant Classification Criteria 13 December 2019. Collection method: clinical testing. Allele origin: germline.

Illumina Laboratory Services, Illumina
Classification: Uncertain significance for Autosomal recessive limb-girdle muscular dystrophy type 2J. Last evaluated: 2018-01-12. Review status: criteria provided, single submitter. Criteria: ICSL Variant Classification Criteria 13 December 2019. Collection method: clinical testing. Allele origin: germline.

Illumina Laboratory Services, Illumina
Classification: Benign for Tibial muscular dystrophy. Last evaluated: 2018-01-12. Review status: criteria provided, single submitter. Criteria: ICSL Variant Classification Criteria 13 December 2019. Collection method: clinical testing. Allele origin: germline.
Comment: This variant was observed in the ICSL laboratory as part of a predisposition screen in an ostensibly healthy population. It had not been previously curated by ICSL or reported in the Human Gene Mutation Database (HGMD: prior to June 1st, 2018), and was therefore a candidate for classification through an automated scoring system. Utilizing variant allele frequency, disease prevalence and penetrance estimates, and inheritance mode, an automated score was calculated to assess if this variant is too frequent to cause the disease. Based on the score and internal cut-off values, a variant classified as benign is not then subjected to further curation. The score for this variant resulted in a classification of benign for this disease.

NM_001267550.2(TTN):c.32211G>A (p.Glu10737=)

Gene: TTN (titin; minus strand). Cytogenetic location: 2q31.2.
Variant type: single nucleotide variant.
Coding change: c.32211G>A on transcript NM_001267550.2 (MANE Select); coding-DNA position 32211, G replaced by A.
Protein change: p.Glu10737=; no amino-acid change (glutamic acid 10737 retained).
Molecular consequence: synonymous variant. On other transcripts: intron variant (3).
Genome position (GRCh38, 1-based): chr2:178,688,211, C>T on the plus strand (G>A on the coding strand, the complement: TTN is on the minus strand). VCF-style: chr2-178688211-C-T. GRCh37 (hg19) VCF-style: chr2-179552938-C-T.
Other names: c.31260G>A, p.Glu10420= (NM_001256850.1); c.28479G>A, p.Glu9493= (NM_133378.4); c.13283-45894G>A (NM_003319.4); c.13859-45894G>A (NM_133437.4); c.13658-45894G>A (NM_133432.3).
Identifiers: ClinVar variation 893399 (VCV000893399.40), dbSNP rs747597729, ClinGen allele CA1998686.